The following is an entry in ClinVar:

NM_000059.4(BRCA2):c.4715_4718del (p.Ala1572fs)

Gene: BRCA2 (BRCA2 DNA repair associated; plus strand). Cytogenetic location: 13q13.1.
Variant type: Deletion.
Coding change: c.4715_4718del on transcript NM_000059.4 (MANE Select); coding-DNA positions 4715 to 4718, 4 bases deleted (CCTG; older notation c.4715_4718delCCTG).
Protein change: p.Ala1572fs; shifts the reading frame from alanine 1572.
Molecular consequence: frameshift variant.
Genome position (GRCh38, 1-based): chr13:32,339,070-32,339,073, CCTG deleted; deleting any 4 consecutive bases within chr13:32,339,069-32,339,073 gives the same sequence; the c. name uses the placement nearest the transcript's 3' end. VCF-style (leftmost placement, unchanged base first): chr13-32339068-GGCCT-G. GRCh37 (hg19) VCF-style: chr13-32913205-GGCCT-G.
Other names: c.4715_4718delCCTG, p.Ala1572Valfs (NM_001406719.1, NM_001406720.1); short protein forms A1572fs.
Identifiers: ClinVar variation 1742608 (VCV001742608.2), dbSNP rs2548529167, ClinGen allele CA2580087303.

ClinVar aggregate classification (germline): Pathogenic (1 of 4 stars; one submission).

Conditions:
Hereditary cancer-predisposing syndrome. Also called: Hereditary Cancer Syndrome; Hereditary neoplastic syndrome; Neoplastic Syndromes, Hereditary; Tumor predisposition. Identifiers: Orphanet 140162, MedGen C0027672, MeSH D009386, MONDO:0015356.

Submission:

Ambry Genetics
Classification: Pathogenic for Hereditary cancer-predisposing syndrome. Last evaluated: 2021-06-14. Review status: criteria provided, single submitter. Criteria: Ambry Variant Classification Scheme 2023. Collection method: clinical testing. Allele origin: germline.
Comment: The c.4715_4718delCCTG pathogenic mutation, located in coding exon 10 of the BRCA2 gene, results from a deletion of 4 nucleotides at nucleotide positions 4715 to 4718, causing a translational frameshift with a predicted alternate stop codon (p.A1572Vfs*6). This variant is considered to be rare based on population cohorts in the Genome Aggregation Database (gnomAD). This alteration is expected to result in loss of function by premature protein truncation or nonsense-mediated mRNA decay. As such, this alteration is interpreted as a disease-causing mutation.